The following is an entry in ClinVar:

ClinVar aggregate classification (germline): Uncertain significance. Review status: criteria provided, multiple submitters, no conflicts (2 of 4 stars). 5 submissions from 5 submitters: Uncertain significance (4). 1 of the submissions does not count toward it. Last evaluated 2025-11-27.

Conditions:
SLC26A1-related disorder. Also called: SLC26A1-related condition.
Nephrolithiasis susceptibility caused by SLC26A1 (CAON1). Also called: NEPHROLITHIASIS, CALCIUM OXALATE, 1. Identifiers: MedGen C5779632, MONDO:0020722, OMIM 167030.
Hypersulfaturia (HYSULF). Identifiers: MedGen C5830511, MONDO:0957268, OMIM 620372.

Allele frequency attached by ClinVar (database versions not stated): 1000 Genomes Project 30x 0.00016; 1000 Genomes Project 0.00020; ExAC 0.00053; gnomAD exomes 0.00056 and 0.00063; gnomAD 0.00061 and 0.00062; TOPMed 0.00070; ESP Exome Variant Server 0.00077.
gnomAD v4.1: 1,011 of 1,605,504 alleles (0.063%); highest among the groups gnomAD compares: Admixed American, 0.1%; no homozygotes.

Submissions (5):

Labcorp Genetics (formerly Invitae), Labcorp
Classification: Uncertain significance. Last evaluated: 2025-11-27. Review status: criteria provided, single submitter. Criteria: Invitae Variant Classification Sherloc (09022015). Collection method: clinical testing. Allele origin: germline.
Comment: This sequence change replaces alanine, which is neutral and non-polar, with threonine, which is neutral and polar, at codon 56 of the SLC26A1 protein (p.Ala56Thr). This variant is present in population databases (rs142573758, gnomAD 0.1%), and has an allele count higher than expected for a pathogenic variant. This missense change has been observed in individual(s) with nephrolithiasis (PMID: 27125215, 27210743). ClinVar contains an entry for this variant (Variation ID: 242376). Invitae Evidence Modeling of protein sequence and biophysical properties (such as structural, functional, and spatial information, amino acid conservation, physicochemical variation, residue mobility, and thermodynamic stability) indicates that this missense variant is not expected to disrupt SLC26A1 protein function with a negative predictive value of 80%. In summary, the available evidence is currently insufficient to determine the role of this variant in disease. Therefore, it has been classified as a Variant of Uncertain Significance.

PreventionGenetics, part of Exact Sciences
Classification: Uncertain significance for SLC26A1-related condition. Last evaluated: 2025-05-14. Review status: criteria provided, single submitter. Criteria: ACMG Guidelines, 2015. Collection method: clinical testing. Allele origin: germline.
Comment: The SLC26A1 c.166G>A variant is predicted to result in the amino acid substitution p.Ala56Thr. This variant was reported in the homozygous state in an individual with nephrolithiasis (Gee et al. 2016. PubMed ID: 27210743). This variant is reported in 0.11% of alleles in individuals of Ashkenazi Jewish descent in gnomAD. At this time, the clinical significance of this variant is uncertain due to the absence of conclusive functional and genetic evidence.

Blueprint Genetics
Classification: Uncertain significance. Last evaluated: 2024-11-20. Review status: criteria provided, single submitter. Criteria: ACMG Guidelines, 2015. Collection method: clinical testing. Allele origin: germline.

Fulgent Genetics
Classification: Uncertain significance for Nephrolithiasis susceptibility caused by SLC26A1; Hypersulfaturia. Last evaluated: 2024-06-11. Review status: criteria provided, single submitter. Criteria: ACMG Guidelines, 2015. Collection method: clinical testing. Allele origin: germline.

OMIM
Classification: Uncertain significance for VARIANT OF UNKNOWN SIGNIFICANCE. Last evaluated: 2016-07-20. Review status: no assertion criteria provided. Collection method: literature only. Allele origin: germline. Not counted in ClinVar's aggregate classification.

Literature cited by the submitters: PubMed 27125215 (cited by Labcorp Genetics (formerly Invitae), Labcorp and OMIM); PubMed 27210743 (cited by Labcorp Genetics (formerly Invitae), Labcorp and OMIM).

NM_022042.4(SLC26A1):c.166G>A (p.Ala56Thr)

Genes: IDUA (alpha-L-iduronidase; plus strand), SLC26A1 (solute carrier family 26 member 1; minus strand). Cytogenetic location: 4p16.3.
Variant type: single nucleotide variant.
Coding change: c.166G>A on transcript NM_022042.4 (MANE Select); coding-DNA position 166, G replaced by A.
Protein change: p.Ala56Thr; replaces alanine 56 with threonine.
Molecular consequence: missense variant. On other transcripts: intron variant (1).
Genome position (GRCh38, 1-based): chr4:991,538, C>T on the plus strand (G>A on the coding strand, the complement: SLC26A1 is on the minus strand). VCF-style: chr4-991538-C-T. GRCh37 (hg19) VCF-style: chr4-985326-C-T.
Other names: c.166G>A, p.Ala56Thr (NM_134425.4, NM_213613.4); c.299+3589C>T (NM_000203.5); short protein forms A56T.
Identifiers: ClinVar variation 242376 (VCV000242376.14), dbSNP rs142573758, ClinGen allele CA2801756.